The following is an entry in ClinVar:

ClinVar aggregate classification (germline): Pathogenic. Review status: criteria provided, multiple submitters, no conflicts (2 of 4 stars). 2 submissions from 2 submitters: Pathogenic (2). Last evaluated 2025-12-17.

Conditions:
Inborn genetic diseases. Identifiers: MedGen C0950123, MeSH D030342.

Submissions (2):

Labcorp Genetics (formerly Invitae), Labcorp
Classification: Pathogenic. Last evaluated: 2025-12-17. Review status: criteria provided, single submitter. Criteria: Invitae Variant Classification Sherloc (09022015). Collection method: clinical testing. Allele origin: germline.
Comment: This sequence change creates a premature translational stop signal (p.Gln283Leufs*19) in the MBD4 gene. It is expected to result in an absent or disrupted protein product. Loss-of-function variants in MBD4 are known to be pathogenic (PMID: 30049810, 35460607). This variant is present in population databases (no rsID available, gnomAD 0.007%). This variant has not been reported in the literature in individuals affected with MBD4-related conditions. ClinVar contains an entry for this variant (Variation ID: 2033330). For these reasons, this variant has been classified as Pathogenic.

Ambry Genetics
Classification: Pathogenic for Inborn genetic diseases. Last evaluated: 2025-03-12. Review status: criteria provided, single submitter. Criteria: Ambry Variant Classification Scheme 2023. Collection method: clinical testing. Allele origin: germline.
Comment: The c.846_849delTCAG pathogenic mutation, located in coding exon 3 of the MBD4 gene, results from a deletion of 4 nucleotides at nucleotide positions 846 to 849, causing a translational frameshift with a predicted alternate stop codon (p.Q283Lfs*19). This alteration is expected to result in loss of function by premature protein truncation or nonsense-mediated mRNA decay. As such, this alteration is interpreted as a disease-causing mutation.

Literature cited by the submitters: PubMed 30049810 (cited by Labcorp Genetics (formerly Invitae), Labcorp); PubMed 35460607 (cited by Labcorp Genetics (formerly Invitae), Labcorp).

NM_001276270.2(MBD4):c.846_849del (p.Gln283fs)

Gene: MBD4 (methyl-CpG binding domain 4, DNA glycosylase; minus strand). Cytogenetic location: 3q21.3.
Variant type: Deletion.
Coding change: c.846_849del on transcript NM_001276270.2 (MANE Select); coding-DNA positions 846 to 849, 4 bases deleted (TCAG; older notation c.846_849delTCAG).
Protein change: p.Gln283fs; shifts the reading frame from glutamine 283.
Molecular consequence: frameshift variant. On other transcripts: intron variant (1).
Genome position (GRCh38, 1-based): chr3:129,436,795-129,436,798, CTGA deleted on the plus strand (TCAG on the coding strand, the reverse complement: MBD4 is on the minus strand); deleting any 4 consecutive bases within chr3:129,436,795-129,436,800 gives the same sequence; the c. name uses the placement nearest the transcript's 3' end. VCF-style (leftmost placement, unchanged base first): chr3-129436794-GCTGA-G. GRCh37 (hg19) VCF-style: chr3-129155637-GCTGA-G.
Other names: c.247+1010_247+1013del (NM_001276273.2); c.846_849del, p.Gln283fs (NM_001276271.2, NM_001276272.2, NM_003925.3); c.846_849delTCAG (NM_001276270.2); short protein forms Q283fs.
Identifiers: ClinVar variation 2033330 (VCV002033330.5), dbSNP rs1159509898, ClinGen allele CA546417503.